The following is an entry in ClinVar:

ClinVar aggregate classification (germline): Pathogenic (1 of 4 stars; one submission).

Conditions:
Wiedemann-Steiner syndrome (WDSTS). Also called: Growth deficiency and mental retardation with facial dysmorphism. Identifiers: Orphanet 319182, MedGen C1854630, MONDO:0011518, OMIM 605130.

Submission:

Victorian Clinical Genetics Services, Murdoch Childrens Research Institute
Classification: Pathogenic for Wiedemann-Steiner syndrome. Last evaluated: 2022-03-31. Review status: criteria provided, single submitter. Criteria: ACMG Guidelines, 2015. Collection method: clinical testing. Allele origin: germline. Inheritance: Autosomal dominant inheritance. Affected: yes.
Comment: Based on the classification scheme VCGS_Germline_v1.3.4, this variant is classified as Pathogenic. Following criteria are met: 0102 - Loss of function is a known mechanism of disease in this gene and is associated with Wiedemann-Steiner syndrome (MIM#605130). (I) 0107 - This gene is associated with autosomal dominant disease. (I) 0201 - Variant is predicted to cause nonsense-mediated decay (NMD) and loss of protein (premature termination codon is located at least 54 nucleotides upstream of the final exon-exon junction). (SP) 0251 - This variant is heterozygous. (I) 0301 - Variant is absent from gnomAD (both v2 and v3). (SP) 0701 - Other NMD predicted variants comparable to the one identified in this case have very strong previous evidence for pathogenicity (DECIPHER). (SP) 0807 - This variant has no previous evidence of pathogenicity. (I) 0905 - No published segregation evidence has been identified for this variant. (I) 1007 - No published functional evidence has been identified for this variant. (SP) Legend: (SP) - Supporting pathogenic, (I) - Information, (SB) - Supporting benign

NM_001197104.2(KMT2A):c.9195del (p.Ala3066fs)

Gene: KMT2A (lysine methyltransferase 2A; plus strand). Cytogenetic location: 11q23.3.
Variant type: Deletion.
Coding change: c.9195del on transcript NM_001197104.2 (MANE Select); coding-DNA position 9195, one base deleted (A; older notation c.9195delA).
Protein change: p.Ala3066fs; shifts the reading frame from alanine 3066.
Molecular consequence: frameshift variant.
Genome position (GRCh38, 1-based): chr11:118,505,087, A deleted. VCF-style (leftmost placement, unchanged base first): chr11-118505086-CA-C. GRCh37 (hg19) VCF-style: chr11-118375801-CA-C.
Other names: c.9285delA, p.Ala3096Leufs (NM_001412597.1); c.9186del, p.Ala3063fs (NM_005933.4); short protein forms A3063fs, A3066fs.
Identifiers: ClinVar variation 1805236 (VCV001805236.1), dbSNP rs2497016781, ClinGen allele CA2573050753.